The following is an entry in ClinVar:

ClinVar aggregate classification (germline): Pathogenic. Review status: criteria provided, multiple submitters, no conflicts (2 of 4 stars). 5 submissions from 5 submitters: Pathogenic (4). 1 of the submissions does not count toward it. Last evaluated 2025-04-13.

Conditions:
Motor neuron disease. Also called: Degenerative motor system disease; Motor neuron disorder. Identifiers: Orphanet 98503, MedGen C0085084, MONDO:0020128.
Amyotrophic lateral sclerosis type 1 (ALS1). Also called: AMYOTROPHIC LATERAL SCLEROSIS 1, FAMILIAL. Identifiers: Orphanet 803, MedGen C1862939, MONDO:0007103, OMIM 105400.

Submissions (5):

Labcorp Genetics (formerly Invitae), Labcorp
Classification: Pathogenic for Amyotrophic lateral sclerosis type 1. Last evaluated: 2025-04-13. Review status: criteria provided, single submitter. Criteria: Invitae Variant Classification Sherloc (09022015). Collection method: clinical testing. Allele origin: germline.
Comment: This sequence change replaces glutamic acid, which is acidic and polar, with glycine, which is neutral and non-polar, at codon 101 of the SOD1 protein (p.Glu101Gly). This variant is not present in population databases (gnomAD no frequency). This missense change has been observed in individuals with autosomal dominant SOD1-related conditions (PMID: 28105640). ClinVar contains an entry for this variant (Variation ID: 14761). An algorithm developed to predict the effect of missense changes on protein structure and function (PolyPhen-2) suggests that this variant is likely to be disruptive. Experimental studies have shown that this missense change affects SOD1 function (PMID: 19483195, 20399791, 23280792, 26362407). This variant disrupts the p.Glu101 amino acid residue in SOD1. Other variant(s) that disrupt this residue have been determined to be pathogenic (PMID: 8875253, 15258228, 20540686, 22292843). This suggests that this residue is clinically significant, and that variants that disrupt this residue are likely to be disease-causing. For these reasons, this variant has been classified as Pathogenic.

Victorian Clinical Genetics Services, Murdoch Childrens Research Institute
Classification: Pathogenic for Amyotrophic lateral sclerosis type 1. Last evaluated: 2025-03-21. Review status: criteria provided, single submitter. Criteria: ACMG Guidelines, 2015. Collection method: clinical testing. Allele origin: germline. Affected: yes.
Comment: This variant is classified as Pathogenic. Evidence in support of pathogenic classification: Variant is absent from gnomAD (v2, v3 and v4); This variant has strong previous evidence of pathogenicity in unrelated individuals. This variant has been classified as pathogenic by clinical laboratories in ClinVar, and reported in the literature in heterozygous individuals with a type of motor neuron disease, predominantly amyotrophic lateral sclerosis (PMID: 28089114, 32789025, 23869403); Another missense variant comparable to the one identified in this case has moderate previous evidence for pathogenicity. p.(Glu101Lys) has been classified as pathogenic by clinical laboratories in ClinVar. Additional information: Variant is predicted to result in a missense amino acid change from glutamic acid to glycine; This variant is heterozygous; This gene is associated with both recessive and dominant disease (OMIM); Variant is located in the annotated copper/zinc superoxide dismutase domain (DECIPHER); Missense variant with inconclusive in silico prediction and uninformative conservation; Loss of function and toxic gain of function are known mechanisms of disease in this gene and are associated with amyotrophic lateral sclerosis 1 (MIM#105400). Missense variants have been described with both a loss of function and toxic gain of function effect, where protein expression and activity is reduced, but residual protein results in misfolded aggregates (OMIM, PMID: 34721532); The autosomal dominant amyotrophic lateral sclerosis associated with this gene has incomplete penetrance (PMID: 38811997); Inheritance information for this variant is not currently available in this individual.

GeneDx
Classification: Pathogenic. Last evaluated: 2023-07-24. Review status: criteria provided, single submitter. Criteria: GeneDx Variant Classification Process June 2021. Collection method: clinical testing. Allele origin: germline. Affected: yes.
Comment: Published functional studies demonstrate that the variant increases aggregation of the SOD1 protein and decreases protein stability (Prudencio et al., 2009; Vassall et al., 2011); In silico analysis supports that this missense variant has a deleterious effect on protein structure/function; Not observed at significant frequency in large population cohorts (gnomAD); This variant is associated with the following publications: (PMID: 7635196, 23280792, 20399791, 18951903, 21257910, 26362407, 8891072, 32006803, 28105640, 28089114, 32789025, 7624031, 8446170, 19483195)

Centre for Genomic and Experimental Medicine, University of Edinburgh
Classification: Pathogenic for Motor neuron disease. Last evaluated: 2016-08-31. Review status: criteria provided, single submitter. Criteria: Submitter's publication. Collection method: case-control. Allele origin: unknown. Affected: yes. Observed: 1 heterozygote.

OMIM
Classification: Pathogenic for AMYOTROPHIC LATERAL SCLEROSIS 1. Last evaluated: 1995-07-24. Review status: no assertion criteria provided. Collection method: literature only. Allele origin: germline. Not counted in ClinVar's aggregate classification.

Literature cited by the submitters: PubMed 28105640 (cited by Labcorp Genetics (formerly Invitae), Labcorp); PubMed 19483195 (cited by Labcorp Genetics (formerly Invitae), Labcorp); PubMed 20399791 (cited by Labcorp Genetics (formerly Invitae), Labcorp); PubMed 23280792 (cited by Labcorp Genetics (formerly Invitae), Labcorp); PubMed 26362407 (cited by Labcorp Genetics (formerly Invitae), Labcorp); PubMed 8875253 (cited by Labcorp Genetics (formerly Invitae), Labcorp); PubMed 15258228 (cited by Labcorp Genetics (formerly Invitae), Labcorp); PubMed 20540686 (cited by Labcorp Genetics (formerly Invitae), Labcorp); PubMed 22292843 (cited by Labcorp Genetics (formerly Invitae), Labcorp); PubMed 34721532 (cited by Victorian Clinical Genetics Services, Murdoch Childrens Research Institute); PubMed 32789025 (cited by Victorian Clinical Genetics Services, Murdoch Childrens Research Institute); PubMed 23869403 (cited by Victorian Clinical Genetics Services, Murdoch Childrens Research Institute); PubMed 38811997 (cited by Victorian Clinical Genetics Services, Murdoch Childrens Research Institute); PubMed 28089114 (cited by Victorian Clinical Genetics Services, Murdoch Childrens Research Institute and Centre for Genomic and Experimental Medicine, University of Edinburgh); PubMed 8446170 (cited by OMIM); PubMed 7635196 (cited by OMIM).

NM_000454.5(SOD1):c.302A>G (p.Glu101Gly)

Gene: SOD1 (superoxide dismutase 1; plus strand). Cytogenetic location: 21q22.11.
Variant type: single nucleotide variant.
Coding change: c.302A>G on transcript NM_000454.5 (MANE Select); coding-DNA position 302, A replaced by G.
Protein change: p.Glu101Gly; replaces glutamic acid 101 with glycine.
Molecular consequence: missense variant.
Genome position (GRCh38, 1-based): chr21:31,667,320, A>G. VCF-style: chr21-31667320-A-G. GRCh37 (hg19) VCF-style: chr21-33039633-A-G.
Other names: E100G; short protein forms E101G.
Identifiers: ClinVar variation 14761 (VCV000014761.11), dbSNP rs121912439, ClinGen allele CA257329.
Genomic context (GRCh38, chr21:31,667,320, plus strand): 5'-ATGTTGGAGACTTGGGCAATGTGACTGCTGACAAAGATGGTGTGGCCGATGTGTCTATTG[A>G]AGATTCTGTGATCTCACTCTCAGGAGACCATTGCATCATTGGCCGCACACTGGTGGTAAG-3'
Protein context (NP_000445.1, residues 91-111): DKDGVADVSI[Glu101Gly]DSVISLSGDH